The following is an entry in ClinVar:

NM_147127.5(EVC2):c.1608A>G (p.Glu536=)

Gene: EVC2 (EvC ciliary complex subunit 2; minus strand). Cytogenetic location: 4p16.2.
Variant type: single nucleotide variant.
Coding change: c.1608A>G on transcript NM_147127.5 (MANE Select); coding-DNA position 1608, A replaced by G.
Protein change: p.Glu536=; no amino-acid change (glutamic acid 536 retained).
Molecular consequence: synonymous variant.
Genome position (GRCh38, 1-based): chr4:5,631,895, T>C on the plus strand (A>G on the coding strand, the complement: EVC2 is on the minus strand). VCF-style: chr4-5631895-T-C. GRCh37 (hg19) VCF-style: chr4-5633622-T-C.
Other names: c.1368A>G, p.Glu456= (NM_001166136.2); c.1608A>G (NM_147127.4).
Identifiers: ClinVar variation 1151626 (VCV001151626.11), dbSNP rs201898124, ClinGen allele CA91714208.

ClinVar aggregate classification (germline): Likely benign. Review status: criteria provided, multiple submitters, no conflicts (2 of 4 stars). 2 submissions from 2 submitters: Likely benign (2). Last evaluated 2026-06-05.

Conditions:
EVC2-related disorder. Also called: EVC2-related condition.
Curry-Hall syndrome (WAD). Also called: WEYERS ACRODENTAL DYSOSTOSIS. Identifiers: Orphanet 952, MedGen C0457013, MONDO:0008673, OMIM 193530.
Ellis-van Creveld syndrome (EVC). Also called: Chondroectodermal dysplasia; MESOECTODERMAL DYSPLASIA. Identifiers: Orphanet 289, MedGen C0013903, MONDO:0009162, OMIM 225500.

Allele frequency attached by ClinVar (database versions not stated): gnomAD exomes below 0.00001; gnomAD 0.00002; TOPMed 0.00003.
gnomAD v4.1: 51 of 1,614,112 alleles (0.0032%); highest among the groups gnomAD compares: Non-Finnish European, 0.0039%; no homozygotes.

Submissions (2):

PreventionGenetics, part of Exact Sciences
Classification: Likely benign for EVC2-related condition. Last evaluated: 2026-06-05. Review status: criteria provided, single submitter. Criteria: ACMG Guidelines, 2015. Collection method: clinical testing. Allele origin: germline.
Comment: This variant is classified as likely benign based on ACMG/AMP sequence variant interpretation guidelines (Richards et al. 2015 PMID: 25741868, with internal and published modifications).

Labcorp Genetics (formerly Invitae), Labcorp
Classification: Likely benign for Curry-Hall syndrome; Ellis-van Creveld syndrome. Last evaluated: 2026-01-03. Review status: criteria provided, single submitter. Criteria: Invitae Variant Classification Sherloc (09022015). Collection method: clinical testing. Allele origin: germline.